The following is an entry in ClinVar:

NM_004100.5(EYA4):c.970+6G>T

Gene: EYA4 (EYA transcriptional coactivator and phosphatase 4; plus strand). Cytogenetic location: 6q23.2.
Variant type: single nucleotide variant.
Coding change: c.970+6G>T on transcript NM_004100.5 (MANE Select); 6 bases into the intron after coding-DNA position 970, G replaced by T.
Molecular consequence: intron variant. On other transcripts: missense variant (2).
Genome position (GRCh38, 1-based): chr6:133,468,737, G>T. VCF-style: chr6-133468737-G-T. GRCh37 (hg19) VCF-style: chr6-133789875-G-T.
Other names: c.976G>T, p.Asp326Tyr (NM_001301013.2); c.814G>T, p.Asp272Tyr (NM_001370459.1); c.970+6G>T (NM_172105.4); c.901+6G>T (NM_001370458.1, NM_172103.4); c.808+6G>T (NM_001301012.2); short protein forms D326Y, D272Y.
Identifiers: ClinVar variation 574677 (VCV000574677.12), dbSNP rs753123820, ClinGen allele CA4008197.
Genomic context (GRCh38, chr6:133,468,737, plus strand): 5'-TCAACCTCTACTTATCAGTTGCAGGAATCTCTCCCAGGACTGACTAACCAACCAGGTACA[G>T]ATCTTCACCCAGGTGAAATACTTTTATATGTTTTGCAATATCTAATAAAACGGAGAAAGT-3'

ClinVar aggregate classification (germline): Conflicting classifications of pathogenicity. Review status: criteria provided, conflicting classifications (1 of 4 stars). 2 submissions from 2 submitters: Uncertain significance (1); Likely benign (1). Last evaluated 2025-07-27.

Conditions:
Dilated cardiomyopathy 1J (CMD1J). Also called: CARDIOMYOPATHY, DILATED, WITH SENSORINEURAL HEARING LOSS, AUTOSOMAL DOMINANT. Identifiers: Orphanet 217622, MedGen C1854368, MONDO:0011541, OMIM 605362.

Allele frequency attached by ClinVar (database versions not stated): gnomAD exomes below 0.00001 and 0.00001; TOPMed below 0.00001; ExAC 0.00001; gnomAD 0.00001.

Submissions (2):

Labcorp Genetics (formerly Invitae), Labcorp
Classification: Uncertain significance for Dilated cardiomyopathy 1J. Last evaluated: 2025-07-27. Review status: criteria provided, single submitter. Criteria: Invitae Variant Classification Sherloc (09022015). Collection method: clinical testing. Allele origin: germline.
Comment: This sequence change falls in intron 11 of the EYA4 gene. It does not directly change the encoded amino acid sequence of the EYA4 protein. It affects a nucleotide within the consensus splice site. This variant is present in population databases (rs753123820, gnomAD 0.0009%). This variant has not been reported in the literature in individuals affected with EYA4-related conditions. ClinVar contains an entry for this variant (Variation ID: 574677). Variants that disrupt the consensus splice site are a relatively common cause of aberrant splicing (PMID: 17576681, 9536098). Algorithms developed to predict the effect of sequence changes on RNA splicing suggest that this variant is not likely to affect RNA splicing. In summary, the available evidence is currently insufficient to determine the role of this variant in disease. Therefore, it has been classified as a Variant of Uncertain Significance.

GeneDx
Classification: Likely benign. Last evaluated: 2021-02-26. Review status: criteria provided, single submitter. Criteria: GeneDx Variant Classification Process June 2021. Collection method: clinical testing. Allele origin: germline. Affected: yes.

Literature cited by the submitters: PubMed 17576681 (cited by Labcorp Genetics (formerly Invitae), Labcorp); PubMed 9536098 (cited by Labcorp Genetics (formerly Invitae), Labcorp).